The following is an entry in ClinVar:

ClinVar aggregate classification (germline): Uncertain significance. Review status: criteria provided, multiple submitters, no conflicts (2 of 4 stars). 5 submissions from 5 submitters: Uncertain significance (5). Last evaluated 2024-07-05.

Conditions:
Macrothrombocytopenia and granulocyte inclusions with or without nephritis or sensorineural hearing loss (MATINS). Also called: MYH9-Related Disease (MYH9-RD); DOHLE LEUKOCYTE INCLUSIONS WITH GIANT PLATELETS; MACROTHROMBOCYTOPENIA WITH LEUKOCYTE INCLUSIONS; BLEEDING DISORDER, PLATELET-TYPE, 6; MAY-HEGGLIN ANOMALY; SEBASTIAN PLATELET SYNDROME. Identifiers: Orphanet 182050, MedGen C5200934, MONDO:0015912, OMIM 155100.
Autosomal dominant nonsyndromic hearing loss 17. Also called: Deafness, autosomal dominant 17; Autosomal dominant nonsyndromic deafness 17. Identifiers: Orphanet 90635, MedGen C1863659, MONDO:0011350, OMIM 603622.
MYH9-related disorder. Identifiers: MedGen C1854520.

Allele frequency attached by ClinVar (database versions not stated): gnomAD exomes below 0.00001 and 0.00002; TOPMed below 0.00001; ExAC 0.00001.
gnomAD v4.1: 23 of 1,612,734 alleles (0.0014%); highest among the groups gnomAD compares: Non-Finnish European, 0.0018%; no homozygotes.

Submissions (5):

Blueprint Genetics
Classification: Uncertain significance. Last evaluated: 2024-07-05. Review status: criteria provided, single submitter. Criteria: ACMG Guidelines, 2015. Collection method: clinical testing. Allele origin: germline.

Labcorp Genetics (formerly Invitae), Labcorp
Classification: Uncertain significance. Last evaluated: 2024-02-02. Review status: criteria provided, single submitter. Criteria: Invitae Variant Classification Sherloc (09022015). Collection method: clinical testing. Allele origin: germline.
Comment: This sequence change replaces arginine, which is basic and polar, with tryptophan, which is neutral and slightly polar, at codon 1751 of the MYH9 protein (p.Arg1751Trp). This variant is present in population databases (rs770433607, gnomAD 0.01%). This variant has not been reported in the literature in individuals affected with MYH9-related conditions. ClinVar contains an entry for this variant (Variation ID: 1684933). Advanced modeling of protein sequence and biophysical properties (such as structural, functional, and spatial information, amino acid conservation, physicochemical variation, residue mobility, and thermodynamic stability) has been performed at Invitae for this missense variant, however the output from this modeling did not meet the statistical confidence thresholds required to predict the impact of this variant on MYH9 protein function. In summary, the available evidence is currently insufficient to determine the role of this variant in disease. Therefore, it has been classified as a Variant of Uncertain Significance.

PreventionGenetics, part of Exact Sciences
Classification: Uncertain significance for MYH9-related condition. Last evaluated: 2023-09-22. Review status: criteria provided, single submitter. Criteria: ACMG Guidelines, 2015. Collection method: clinical testing. Allele origin: germline.
Comment: The MYH9 c.5251C>T variant is predicted to result in the amino acid substitution p.Arg1751Trp. To our knowledge, this variant has not been reported in the literature. This variant is reported in 0.0099% of alleles in individuals of Ashkenazi Jewish descent in gnomAD. At this time, the clinical significance of this variant is uncertain due to the absence of conclusive functional and genetic evidence.

Mendelics
Classification: Uncertain significance. Last evaluated: 2022-05-04. Review status: criteria provided, single submitter. Criteria: Mendelics Assertion Criteria 2019. Collection method: clinical testing. Allele origin: germline.

Fulgent Genetics
Classification: Uncertain significance for Macrothrombocytopenia and granulocyte inclusions with or without nephritis or sensorineural hearing loss; Autosomal dominant nonsyndromic hearing loss 17. Last evaluated: 2021-12-13. Review status: criteria provided, single submitter. Criteria: ACMG Guidelines, 2015. Collection method: clinical testing. Allele origin: unknown.

NM_002473.6(MYH9):c.5251C>T (p.Arg1751Trp)

Gene: MYH9 (myosin heavy chain 9; minus strand). Cytogenetic location: 22q12.3.
Variant type: single nucleotide variant.
Coding change: c.5251C>T on transcript NM_002473.6 (MANE Select); coding-DNA position 5251, C replaced by T.
Protein change: p.Arg1751Trp; replaces arginine 1751 with tryptophan.
Molecular consequence: missense variant.
Genome position (GRCh38, 1-based): chr22:36,285,681, G>A on the plus strand (C>T on the coding strand, the complement: MYH9 is on the minus strand). VCF-style: chr22-36285681-G-A. GRCh37 (hg19) VCF-style: chr22-36681727-G-A.
Other names: c.5251C>T (NM_002473.5); short protein forms R1751W.
Identifiers: ClinVar variation 1684933 (VCV001684933.6), dbSNP rs770433607, ClinGen allele CA10209114.